The following is an entry in ClinVar:

NM_138422.4(ADAT3):c.1_11del (p.Met1fs)

Genes: ADAT3 (adenosine deaminase tRNA specific 3; plus strand), SCAMP4 (secretory carrier membrane protein 4; plus strand). Cytogenetic location: 19p13.3.
Variant type: Deletion.
Coding change: c.1_11del on transcript NM_138422.4 (MANE Select); coding-DNA positions 1 to 11, 11 bases deleted (ATGATCCTCTG).
Protein change: p.Met1fs; shifts the reading frame from methionine 1.
Molecular consequence: frameshift variant, initiator codon variant. On other transcripts: intron variant (4).
Genome position (GRCh38, 1-based): chr19:1,912,048-1,912,058, ATGATCCTCTG deleted; deleting any 11 consecutive bases within chr19:1,912,047-1,912,058 gives the same sequence; the c. name uses the placement nearest the transcript's 3' end. VCF-style (leftmost placement, unchanged base first): chr19-1912046-GGATGATCCTCT-G. GRCh37 (hg19) VCF-style: chr19-1912045-GGATGATCCTCT-G.
Other names: c.-41-2931_-41-2921del (NM_079834.4, NM_001329540.2); c.-125-5646_-125-5636del (NM_001329539.2); c.-15-33_-15-23del (NM_001329533.2); short protein forms M1fs.
Identifiers: ClinVar variation 5003186 (VCV005003186.1).
Genomic context (GRCh38, chr19:1,912,046, plus strand): 5'-GTGGAGCCACGGCCTCCCGGGACGGACTCCCCGGCTCTCCCCCAGCCGCCCGCAGCCGCC[GGATGATCCTCT>G]GCTCCCGTCTCTGTCTCCCACAGTCGGCCTCGCTGAGGATGGAGCCCGCCCCGGGCCTCG-3'

ClinVar aggregate classification (germline): Uncertain significance (1 of 4 stars; one submission).

Submission:

OLLIN Analises Genomicas, OLLIN
Classification: Uncertain significance. Last evaluated: 2026-08-06. Review status: criteria provided, single submitter. Criteria: ACMG Guidelines 2015 PMID 25741868. Collection method: clinical testing. Allele origin: germline.
Comment: This variant, located in exon 2 (of 2), has been observed in gnomAD with an allele frequency of 0.00049%, but has not been reported in ClinVar or identified in the literature. According to the currently available evidence, this variant has been classified as uncertain significance (PVS1_M, PM2_P).